The following is an entry in ClinVar:

NM_001267550.2(TTN):c.95370dup (p.Gly31791fs)

Genes: TTN (titin; minus strand), TTN-AS1 (TTN antisense RNA 1; plus strand). Cytogenetic location: 2q31.2.
Variant type: Duplication.
Coding change: c.95370dup on transcript NM_001267550.2 (MANE Select); coding-DNA position 95370, one base duplicated (T; older notation c.95370dupT).
Protein change: p.Gly31791fs; shifts the reading frame from glycine 31791.
Molecular consequence: frameshift variant.
Genome position (GRCh38, 1-based): chr2:178,545,866, A duplicated on the plus strand (T on the coding strand, the reverse complement: TTN is on the minus strand). VCF-style (leftmost placement, unchanged base first): chr2-178545865-C-CA. GRCh37 (hg19) VCF-style: chr2-179410592-C-CA.
Other names: c.90447dup, p.Gly30150fs (NM_001256850.1); c.68175dup, p.Gly22726fs (NM_003319.4); c.87666dup, p.Gly29223fs (NM_133378.4); c.68550dup, p.Gly22851fs (NM_133432.3); c.68751dup, p.Gly22918fs (NM_133437.4); short protein forms G22726fs, G22918fs, G29223fs, G22851fs, G30150fs, G31791fs.
Identifiers: ClinVar variation 1508547 (VCV001508547.6), dbSNP rs2154145442, ClinGen allele CA2573134070.

ClinVar aggregate classification (germline): Likely pathogenic (1 of 4 stars; one submission).

Conditions:
Dilated cardiomyopathy 1G (CMD1G). Identifiers: Orphanet 154, MedGen C1858763, MONDO:0011400, OMIM 604145.
Autosomal recessive limb-girdle muscular dystrophy type 2J (LGMDR10). Also called: Limb-girdle muscular dystrophy, type 2J; MUSCULAR DYSTROPHY, LIMB-GIRDLE, AUTOSOMAL RECESSIVE 10. Identifiers: Orphanet 140922, MedGen C1837342, MONDO:0012127, OMIM 608807.

Submission:

Labcorp Genetics (formerly Invitae), Labcorp
Classification: Likely pathogenic for Dilated cardiomyopathy 1G; Autosomal recessive limb-girdle muscular dystrophy type 2J. Last evaluated: 2022-10-05. Review status: criteria provided, single submitter. Criteria: Invitae Variant Classification Sherloc (09022015). Collection method: clinical testing. Allele origin: germline.
Comment: In summary, the currently available evidence indicates that the variant is pathogenic, but additional data are needed to prove that conclusively. Therefore, this variant has been classified as Likely Pathogenic. This variant is located in the A band of TTN (PMID: 25589632). Truncating variants in this region are significantly overrepresented in patients affected with dilated cardiomyopathy (PMID: 25589632). Truncating variants in this region have also been reported in individuals affected with autosomal recessive centronuclear myopathy (PMID: 23975875). ClinVar contains an entry for this variant (Variation ID: 1508547). This variant has not been reported in the literature in individuals affected with TTN-related conditions. This variant is not present in population databases (gnomAD no frequency). This sequence change creates a premature translational stop signal (p.Gly31791Trpfs*5) in the TTN gene. While this is not anticipated to result in nonsense mediated decay, it is expected to create a truncated TTN protein.

Literature cited by the submitters: PubMed 25589632; PubMed 23975875.